The following is an entry in ClinVar:

NM_000310.4(PPT1):c.775C>T (p.Gln259Ter)

Gene: PPT1 (palmitoyl-protein thioesterase 1; minus strand). Cytogenetic location: 1p34.2.
Variant type: single nucleotide variant.
Coding change: c.775C>T on transcript NM_000310.4 (MANE Select); coding-DNA position 775, C replaced by T.
Protein change: p.Gln259Ter; replaces glutamine 259 with a stop codon.
Molecular consequence: nonsense. On other transcripts: intron variant (1).
Genome position (GRCh38, 1-based): chr1:40,076,865, G>A on the plus strand (C>T on the coding strand, the complement: PPT1 is on the minus strand). VCF-style: chr1-40076865-G-A. GRCh37 (hg19) VCF-style: chr1-40542537-G-A.
Other names: c.466C>T, p.Gln156Ter (NM_001142604.2); c.726+1695C>T (NM_001363695.2); short protein forms Q259*, Q156*.
Identifiers: ClinVar variation 2022496 (VCV002022496.4), dbSNP rs2523631229, ClinGen allele CA339846400.

ClinVar aggregate classification (germline): Pathogenic (1 of 4 stars; one submission).

Conditions:
Neuronal ceroid lipofuscinosis 1 (CLN1). Also called: CEROID LIPOFUSCINOSIS, NEURONAL, 1, VARIABLE AGE AT ONSET; PPT1-Related Neuronal Ceroid-Lipofuscinosis. Identifiers: Orphanet 228329, MedGen C1850451, MONDO:0009744, OMIM 256730.

gnomAD v4.1: 2 of 1,614,156 alleles (0.00012%); highest among the groups gnomAD compares: Non-Finnish European, 0.000085%; no homozygotes.

Submission:

Labcorp Genetics (formerly Invitae), Labcorp
Classification: Pathogenic for Neuronal ceroid lipofuscinosis 1. Last evaluated: 2022-11-07. Review status: criteria provided, single submitter. Criteria: Invitae Variant Classification Sherloc (09022015). Collection method: clinical testing. Allele origin: germline.
Comment: This variant has not been reported in the literature in individuals affected with PPT1-related conditions. This variant disrupts a region of the PPT1 protein in which other variant(s) (p.Gln291*) have been determined to be pathogenic (PMID: 10649502). This suggests that this is a clinically significant region of the protein, and that variants that disrupt it are likely to be disease-causing. For these reasons, this variant has been classified as Pathogenic. This sequence change creates a premature translational stop signal (p.Gln259*) in the PPT1 gene. While this is not anticipated to result in nonsense mediated decay, it is expected to disrupt the last 48 amino acid(s) of the PPT1 protein. This variant is not present in population databases (gnomAD no frequency).

Literature cited by the submitters: PubMed 10649502.